The following is an entry in ClinVar:

ClinVar aggregate classification (germline): Likely benign. Review status: criteria provided, multiple submitters, no conflicts (2 of 4 stars). 3 submissions from 3 submitters: Likely benign (3). Last evaluated 2026-06-25.

Conditions:
Cardiomyopathy (CMYO). Also called: Cardiomyopathies. Identifiers: Orphanet 167848, MedGen C0878544, MONDO:0004994, HP:0001638. Inheritance: Various modes of inheritance.
Cardiovascular phenotype. Identifiers: MedGen CN230736.
Catecholaminergic polymorphic ventricular tachycardia (CVPT). Also called: Catecholamine-induced polymorphic ventricular tachycardia. Identifiers: Orphanet 3286, MedGen C5574922, MONDO:0017990.

Allele frequency attached by ClinVar (database versions not stated): gnomAD exomes 0.00001.
gnomAD v4.1: 6 of 1,613,498 alleles (0.00037%); highest among the groups gnomAD compares: Non-Finnish European, 0.00042%; no homozygotes.

Submissions (3):

Ambry Genetics
Classification: Likely benign for Cardiovascular phenotype. Last evaluated: 2026-06-25. Review status: criteria provided, single submitter. Criteria: Ambry Variant Classification Scheme 2023. Collection method: clinical testing. Allele origin: germline.

All of Us Research Program, National Institutes of Health
Classification: Likely benign for Catecholaminergic polymorphic ventricular tachycardia. Last evaluated: 2023-08-08. Review status: criteria provided, single submitter. Criteria: ACMG Guidelines, 2015. Collection method: clinical testing. Allele origin: germline. Inheritance: Autosomal dominant inheritance. Observed: 1 variant allele, 1 heterozygote.
Comment: This study involves interpretation of variants in research participants for the purpose of population health screening. Participant phenotype was not available at the time of variant classification. Additional details can be found in publication PMID: 35346344, PMCID: PMC8962531

Color Diagnostics, LLC DBA Color Health
Classification: Likely benign for Cardiomyopathy. Last evaluated: 2018-11-30. Review status: criteria provided, single submitter. Criteria: ACMG Guidelines, 2015. Collection method: clinical testing. Allele origin: germline.

NM_001035.3(RYR2):c.4836T>C (p.Ser1612=)

Gene: RYR2 (ryanodine receptor 2; plus strand). Cytogenetic location: 1q43.
Variant type: single nucleotide variant.
Coding change: c.4836T>C on transcript NM_001035.3 (MANE Select); coding-DNA position 4836, T replaced by C.
Protein change: p.Ser1612=; no amino-acid change (serine 1612 retained).
Molecular consequence: synonymous variant.
Genome position (GRCh38, 1-based): chr1:237,610,914, T>C. VCF-style: chr1-237610914-T-C. GRCh37 (hg19) VCF-style: chr1-237774214-T-C.
Other names: c.4836T>C (NM_001035.2).
Identifiers: ClinVar variation 925183 (VCV000925183.4), dbSNP rs1677782247, ClinGen allele CA424031033.